The following is an entry in ClinVar:

NM_001558.4(IL10RA):c.8C>A (p.Pro3Gln)

Gene: IL10RA (interleukin 10 receptor subunit alpha; plus strand). Cytogenetic location: 11q23.3.
Variant type: single nucleotide variant.
Coding change: c.8C>A on transcript NM_001558.4 (MANE Select); coding-DNA position 8, C replaced by A.
Protein change: p.Pro3Gln; replaces proline 3 with glutamine.
Molecular consequence: missense variant. On other transcripts: non-coding transcript variant (1).
Genome position (GRCh38, 1-based): chr11:117,986,475, C>A. VCF-style: chr11-117986475-C-A. GRCh37 (hg19) VCF-style: chr11-117857190-C-A.
Other names: short protein forms P3Q.
Identifiers: ClinVar variation 737843 (VCV000737843.14), dbSNP rs56008037, ClinGen allele CA6298789.

ClinVar aggregate classification (germline): Likely benign. Review status: criteria provided, multiple submitters, no conflicts (2 of 4 stars). 2 submissions from 2 submitters: Likely benign (2). Last evaluated 2025-12-23.

Conditions:
Inflammatory bowel disease 28. Also called: Inflammatory bowel disease 28, early onset, autosomal recessive. Identifiers: Orphanet 238569, MedGen C2751053, MONDO:0013153, OMIM 613148.

Allele frequency attached by ClinVar (database versions not stated): ESP Exome Variant Server 0.00016; TOPMed 0.00023; gnomAD 0.00027.

Submissions (2):

Labcorp Genetics (formerly Invitae), Labcorp
Classification: Likely benign for Inflammatory bowel disease 28. Last evaluated: 2025-12-23. Review status: criteria provided, single submitter. Criteria: Invitae Variant Classification Sherloc (09022015). Collection method: clinical testing. Allele origin: germline.

Illumina Laboratory Services, Illumina
Classification: Likely benign for Inflammatory bowel disease 28. Last evaluated: 2018-01-13. Review status: criteria provided, single submitter. Criteria: ICSL Variant Classification Criteria 13 December 2019. Collection method: clinical testing. Allele origin: germline.
Comment: This variant was observed in the ICSL laboratory as part of a predisposition screen in an ostensibly healthy population. It had not been previously curated by ICSL or reported in the Human Gene Mutation Database (HGMD: prior to June 1st, 2018), and was therefore a candidate for classification through an automated scoring system. Utilizing variant allele frequency, disease prevalence and penetrance estimates, and inheritance mode, an automated score was calculated to assess if this variant is too frequent to cause the disease. Based on the score and internal cut-off values, a variant classified as likely benign is not then subjected to further curation. The score for this variant resulted in a classification of likely benign for this disease.